The following is an entry in ClinVar:

ClinVar aggregate classification (germline): Uncertain significance (1 of 4 stars; one submission).

Submission:

GeneDx
Classification: Uncertain significance. Last evaluated: 2024-09-17. Review status: criteria provided, single submitter. Criteria: GeneDx Variant Classification Process June 2021. Collection method: clinical testing. Allele origin: germline. Affected: yes.
Comment: Not observed at significant frequency in large population cohorts (gnomAD); In silico analysis supports that this missense variant has a deleterious effect on protein structure/function; Has not been previously published as pathogenic or benign to our knowledge

NM_016284.5(CNOT1):c.2708C>G (p.Pro903Arg)

Gene: CNOT1 (CCR4-NOT transcription complex subunit 1; minus strand). Cytogenetic location: 16q21.
Variant type: single nucleotide variant.
Coding change: c.2708C>G on transcript NM_016284.5 (MANE Select); coding-DNA position 2708, C replaced by G.
Protein change: p.Pro903Arg; replaces proline 903 with arginine.
Molecular consequence: missense variant. On other transcripts: non-coding transcript variant (1).
Genome position (GRCh38, 1-based): chr16:58,555,434, G>C on the plus strand (C>G on the coding strand, the complement: CNOT1 is on the minus strand). VCF-style: chr16-58555434-G-C. GRCh37 (hg19) VCF-style: chr16-58589338-G-C.
Other names: c.2693C>G, p.Pro898Arg (NM_001265612.2); c.2708C>G, p.Pro903Arg (NM_206999.3); short protein forms P898R, P903R.
Identifiers: ClinVar variation 3769775 (VCV003769775.1).